The following is an entry in ClinVar:

NM_014704.4(CEP104):c.1550T>C (p.Leu517Pro)

Gene: CEP104 (centrosomal protein 104; minus strand). Cytogenetic location: 1p36.32.
Variant type: single nucleotide variant.
Coding change: c.1550T>C on transcript NM_014704.4 (MANE Select); coding-DNA position 1550, T replaced by C.
Protein change: p.Leu517Pro; replaces leucine 517 with proline.
Molecular consequence: missense variant.
Genome position (GRCh38, 1-based): chr1:3,833,971, A>G on the plus strand (T>C on the coding strand, the complement: CEP104 is on the minus strand). VCF-style: chr1-3833971-A-G. GRCh37 (hg19) VCF-style: chr1-3750535-A-G.
Other names: short protein forms L517P.
Identifiers: ClinVar variation 863594 (VCV000863594.9), dbSNP rs1644264163, ClinGen allele CA338040474.

ClinVar aggregate classification (germline): Uncertain significance (1 of 4 stars; one submission).

Conditions:
Joubert syndrome 25 (JBTS25). Identifiers: Orphanet 475, MedGen C4084842, MONDO:0014770, OMIM 616781.

Submission:

Labcorp Genetics (formerly Invitae), Labcorp
Classification: Uncertain significance for Joubert syndrome 25. Last evaluated: 2022-06-20. Review status: criteria provided, single submitter. Criteria: Invitae Variant Classification Sherloc (09022015). Collection method: clinical testing. Allele origin: germline.
Comment: In summary, the available evidence is currently insufficient to determine the role of this variant in disease. Therefore, it has been classified as a Variant of Uncertain Significance. Algorithms developed to predict the effect of missense changes on protein structure and function (SIFT, PolyPhen-2, Align-GVGD) all suggest that this variant is likely to be disruptive. ClinVar contains an entry for this variant (Variation ID: 863594). This variant has not been reported in the literature in individuals affected with CEP104-related conditions. This variant is not present in population databases (gnomAD no frequency). This sequence change replaces leucine, which is neutral and non-polar, with proline, which is neutral and non-polar, at codon 517 of the CEP104 protein (p.Leu517Pro).